The following is an entry in ClinVar:

NM_001393769.1(MED12L):c.1904C>T (p.Pro635Leu)

Gene: MED12L (mediator complex subunit 12L; plus strand). Cytogenetic location: 3q25.1.
Variant type: single nucleotide variant.
Coding change: c.1904C>T on transcript NM_001393769.1 (MANE Select); coding-DNA position 1904, C replaced by T.
Protein change: p.Pro635Leu; replaces proline 635 with leucine.
Molecular consequence: missense variant.
Genome position (GRCh38, 1-based): chr3:151,190,867, C>T. VCF-style: chr3-151190867-C-T. GRCh37 (hg19) VCF-style: chr3-150908654-C-T.
Other names: c.1904C>T, p.Pro635Leu (NM_053002.6); short protein forms P635L.
Identifiers: ClinVar variation 3257101 (VCV003257101.17).

ClinVar aggregate classification (germline): Likely benign (1 of 4 stars; one submission).

gnomAD v4.1: 26 of 1,614,112 alleles (0.0016%); highest among the groups gnomAD compares: Non-Finnish European, 0.002%; no homozygotes.

Submission:

CeGaT Center for Human Genetics Tuebingen
Classification: Likely benign. Last evaluated: 2024-07-01. Review status: criteria provided, single submitter. Criteria: CeGaT Center For Human Genetics Tuebingen Variant Classification Criteria Version 2. Collection method: clinical testing. Allele origin: germline. Affected: yes. Observed: 1 variant allele.
Comment: MED12L: BP4, BS2